The following is an entry in ClinVar:

NM_001127208.3(TET2):c.80C>G (p.Thr27Arg)

Genes: TET2 (tet methylcytosine dioxygenase 2; plus strand), TET2-AS1 (TET2 antisense RNA 1; minus strand). Cytogenetic location: 4q24.
Variant type: single nucleotide variant.
Coding change: c.80C>G on transcript NM_001127208.3 (MANE Select); coding-DNA position 80, C replaced by G.
Protein change: p.Thr27Arg; replaces threonine 27 with arginine.
Molecular consequence: missense variant.
Genome position (GRCh38, 1-based): chr4:105,234,022, C>G. VCF-style: chr4-105234022-C-G. GRCh37 (hg19) VCF-style: chr4-106155179-C-G.
Other names: c.80C>G, p.Thr27Arg (NM_017628.4); short protein forms T27R.
Identifiers: ClinVar variation 1995846 (VCV001995846.5), dbSNP rs765788512, ClinGen allele CA3031439.

ClinVar aggregate classification (germline): Uncertain significance. Review status: criteria provided, multiple submitters, no conflicts (2 of 4 stars). 2 submissions from 2 submitters: Uncertain significance (2). Last evaluated 2025-01-05.

Allele frequency attached by ClinVar (database versions not stated): ExAC 0.00001; gnomAD 0.00001; TOPMed 0.00001.
gnomAD v4.1: 1 of 1,613,946 alleles (0.000062%); highest among the groups gnomAD compares: Non-Finnish European, 0.000085%; no homozygotes.

Submissions (2):

Ambry Genetics
Classification: Uncertain significance. Last evaluated: 2025-01-05. Review status: criteria provided, single submitter. Criteria: Ambry Variant Classification Scheme 2023. Collection method: clinical testing. Allele origin: germline.
Comment: The p.T27R variant (also known as c.80C>G), located in coding exon 1 of the TET2 gene, results from a C to G substitution at nucleotide position 80. The threonine at codon 27 is replaced by arginine, an amino acid with similar properties. This amino acid position is conserved. In addition, this alteration is predicted to be tolerated by in silico analysis. Based on the available evidence, the clinical significance of this variant remains unclear.

Labcorp Genetics (formerly Invitae), Labcorp
Classification: Uncertain significance. Last evaluated: 2022-09-15. Review status: criteria provided, single submitter. Criteria: Invitae Variant Classification Sherloc (09022015). Collection method: clinical testing. Allele origin: germline.
Comment: This sequence change replaces threonine, which is neutral and polar, with arginine, which is basic and polar, at codon 27 of the TET2 protein (p.Thr27Arg). This variant is present in population databases (rs765788512, gnomAD 0.0009%). This variant has not been reported in the literature in individuals affected with TET2-related conditions. Algorithms developed to predict the effect of missense changes on protein structure and function are either unavailable or do not agree on the potential impact of this missense change (SIFT: "Tolerated"; PolyPhen-2: "Possibly Damaging"; Align-GVGD: "Class C0"). In summary, the available evidence is currently insufficient to determine the role of this variant in disease. Therefore, it has been classified as a Variant of Uncertain Significance.